The following is an entry in ClinVar:

NM_000257.4(MYH7):c.502+1G>A

Gene: MYH7 (myosin heavy chain 7; minus strand). Cytogenetic location: 14q11.2.
Variant type: single nucleotide variant.
Coding change: c.502+1G>A on transcript NM_000257.4 (MANE Select); the canonical splice donor site of the intron after coding-DNA position 502, G replaced by A.
Molecular consequence: splice donor variant.
Genome position (GRCh38, 1-based): chr14:23,432,638, C>T on the plus strand (G>A on the coding strand, the complement: MYH7 is on the minus strand). VCF-style: chr14-23432638-C-T. GRCh37 (hg19) VCF-style: chr14-23901847-C-T.
Other names: c.502+1G>A (NM_001407004.1).
Identifiers: ClinVar variation 3070413 (VCV003070413.1), dbSNP rs2502317430, ClinGen allele CA389052684.

ClinVar aggregate classification (germline): Uncertain significance (1 of 4 stars; one submission).

Conditions:
Cardiomyopathy (CMYO). Also called: Cardiomyopathies. Identifiers: Orphanet 167848, MedGen C0878544, MONDO:0004994, HP:0001638. Inheritance: Various modes of inheritance.

Submission:

All of Us Research Program, National Institutes of Health
Classification: Uncertain significance for Cardiomyopathy. Last evaluated: 2023-04-10. Review status: criteria provided, single submitter. Criteria: ACMG Guidelines, 2015. Collection method: clinical testing. Allele origin: germline. Inheritance: Autosomal dominant inheritance. Observed: 1 variant allele, 1 heterozygote.
Comment: This variant causes a G to A nucleotide substitution at the +1 position of intron 5 of the MYH7 gene. Splice site prediction tools predict that this variant may have a significant impact on RNA splicing. Although this prediction has not been confirmed in published RNA studies, this variant is expected to result in an absent or disrupted protein product. To our knowledge, functional studies have not been reported for this variant. This variant has not been reported in individuals affected with MYH7-related disorders in the literature. Clinical relevance of loss-of-function MYH7 truncation and splice variants in autosomal dominant cardiovascular disorders is not clearly established. This variant has not been identified in the general population by the Genome Aggregation Database (gnomAD). The available evidence is insufficient to determine the role of this variant in disease conclusively. Therefore, this variant is classified as a Variant of Uncertain Significance.

This study involves interpretation of variants in research participants for the purpose of population health screening. Participant phenotype was not available at the time of variant classification. Additional details can be found in publication PMID: 35346344, PMCID: PMC8962531